The following is an entry in ClinVar:

ClinVar aggregate classification (germline): Benign/Likely benign. Review status: criteria provided, multiple submitters, no conflicts (2 of 4 stars). 4 submissions from 4 submitters: Benign (1); Likely benign (2). 1 of the submissions does not count toward it. Last evaluated 2025-07-01.

Conditions:
KMT2C-related disorder. Also called: KMT2C-related condition; KMT2C-related disorders.

Allele frequency attached by ClinVar (database versions not stated): 1000 Genomes Project 0.00280; gnomAD 0.00001 and 0.00031; TOPMed 0.00006; 1000 Genomes Project 30x 0.00250.

Submissions (4):

CeGaT Center for Human Genetics Tuebingen
Classification: Likely benign. Last evaluated: 2025-07-01. Review status: criteria provided, single submitter. Criteria: CeGaT Center For Human Genetics Tuebingen Variant Classification Criteria Version 2. Collection method: clinical testing. Allele origin: germline. Affected: yes. Observed: 2 variant alleles.
Comment: KMT2C: BP4, BP7

Labcorp Genetics (formerly Invitae), Labcorp
Classification: Benign. Last evaluated: 2025-06-25. Review status: criteria provided, single submitter. Criteria: Invitae Variant Classification Sherloc (09022015). Collection method: clinical testing. Allele origin: germline.

Blueprint Genetics
Classification: Likely benign. Last evaluated: 2024-10-02. Review status: criteria provided, single submitter. Criteria: ACMG Guidelines, 2015. Collection method: clinical testing. Allele origin: germline.

PreventionGenetics, part of Exact Sciences
Classification: Benign for KMT2C-related condition. Last evaluated: 2020-10-10. Review status: no assertion criteria provided. Collection method: clinical testing. Allele origin: germline. Not counted in ClinVar's aggregate classification.
Comment: This variant is classified as benign based on ACMG/AMP sequence variant interpretation guidelines (Richards et al. 2015 PMID: 25741868, with internal and published modifications).

NM_170606.3(KMT2C):c.9564A>G (p.Gln3188=)

Gene: KMT2C (lysine methyltransferase 2C; minus strand). Cytogenetic location: 7q36.1.
Variant type: single nucleotide variant.
Coding change: c.9564A>G on transcript NM_170606.3 (MANE Select); coding-DNA position 9564, A replaced by G.
Protein change: p.Gln3188=; no amino-acid change (glutamine 3188 retained).
Molecular consequence: synonymous variant.
Genome position (GRCh38, 1-based): chr7:152,167,332, T>C on the plus strand (A>G on the coding strand, the complement: KMT2C is on the minus strand). VCF-style: chr7-152167332-T-C. GRCh37 (hg19) VCF-style: chr7-151864417-T-C.
Other names: c.9564A>G (NM_170606.2).
Identifiers: ClinVar variation 1620963 (VCV001620963.32), dbSNP rs561821779, ClinGen allele CA4579434.